The following is an entry in ClinVar:

ClinVar aggregate classification (germline): Uncertain significance (1 of 4 stars; one submission).

gnomAD v4.1: 1 of 1,614,084 alleles (0.000062%); highest among the groups gnomAD compares: African/African-American, 0.0013%; no homozygotes.

Submission:

Ambry Genetics
Classification: Uncertain significance. Last evaluated: 2026-03-26. Review status: criteria provided, single submitter. Criteria: Ambry Variant Classification Scheme 2023. Collection method: clinical testing. Allele origin: germline.
Comment: The p.S247C variant (also known as c.740C>G), located in coding exon 1 of the TET2 gene, results from a C to G substitution at nucleotide position 740. The serine at codon 247 is replaced by cysteine, an amino acid with dissimilar properties. This amino acid position is conserved. In addition, the in silico prediction for this alteration is inconclusive. Based on the available evidence, the clinical significance of this variant remains unclear.

NM_001127208.3(TET2):c.740C>G (p.Ser247Cys)

Genes: TET2 (tet methylcytosine dioxygenase 2; plus strand), TET2-AS1 (TET2 antisense RNA 1; minus strand). Cytogenetic location: 4q24.
Variant type: single nucleotide variant.
Coding change: c.740C>G on transcript NM_001127208.3 (MANE Select); coding-DNA position 740, C replaced by G.
Protein change: p.Ser247Cys; replaces serine 247 with cysteine.
Molecular consequence: missense variant.
Genome position (GRCh38, 1-based): chr4:105,234,682, C>G. VCF-style: chr4-105234682-C-G. GRCh37 (hg19) VCF-style: chr4-106155839-C-G.
Other names: c.740C>G, p.Ser247Cys (NM_017628.4); short protein forms S247C.
Identifiers: ClinVar variation 4865512 (VCV004865512.1).